The following is an entry in ClinVar:

ClinVar aggregate classification (germline): Likely benign. Review status: criteria provided, multiple submitters, no conflicts (2 of 4 stars). 3 submissions from 3 submitters: Likely benign (3). Last evaluated 2025-04-01.

Conditions:
Inborn genetic diseases. Identifiers: MedGen C0950123, MeSH D030342.
Neuronal ceroid lipofuscinosis 11. Also called: GRN-Related Neuronal Ceroid-Lipofuscinosis. Identifiers: Orphanet 314629, Orphanet 79262, MedGen C3539123, MONDO:0013866, OMIM 614706.
GRN-related frontotemporal lobar degeneration with Tdp43 inclusions (FTD2). Also called: GRN Frontotemporal Dementia; FRONTOTEMPORAL DEMENTIA WITH TDP43 INCLUSIONS, GRN-RELATED; DEMENTIA, HEREDITARY DYSPHASIC DISINHIBITION; FRONTOTEMPORAL LOBAR DEGENERATION WITH UBIQUITIN-POSITIVE INCLUSIONS; FTLD-TDP, GRN-RELATED. Identifiers: Orphanet 100070, Orphanet 282, MedGen C1843792, MONDO:0011842, OMIM 607485. Disease mechanism: loss of function.

Allele frequency attached by ClinVar (database versions not stated): TOPMed 0.00001; ESP Exome Variant Server 0.00008.
gnomAD v4.1: 33 of 1,613,958 alleles (0.002%); highest among the groups gnomAD compares: South Asian, 0.02%; no homozygotes.

Submissions (3):

CeGaT Center for Human Genetics Tuebingen
Classification: Likely benign. Last evaluated: 2025-04-01. Review status: criteria provided, single submitter. Criteria: CeGaT Center For Human Genetics Tuebingen Variant Classification Criteria Version 2. Collection method: clinical testing. Allele origin: germline. Affected: yes. Observed: 2 variant alleles.
Comment: GRN: BP4, BP7

Labcorp Genetics (formerly Invitae), Labcorp
Classification: Likely benign for Neuronal ceroid lipofuscinosis 11; GRN-related frontotemporal lobar degeneration with Tdp43 inclusions. Last evaluated: 2022-06-28. Review status: criteria provided, single submitter. Criteria: Invitae Variant Classification Sherloc (09022015). Collection method: clinical testing. Allele origin: germline.

Ambry Genetics
Classification: Likely benign for Inborn genetic diseases. Last evaluated: 2016-06-21. Review status: criteria provided, single submitter. Criteria: Ambry Variant Classification Scheme 2023. Collection method: clinical testing. Allele origin: germline.

NM_002087.4(GRN):c.1497G>C (p.Val499=)

Gene: GRN (granulin precursor; plus strand). Cytogenetic location: 17q21.31.
Variant type: single nucleotide variant.
Coding change: c.1497G>C on transcript NM_002087.4 (MANE Select); coding-DNA position 1497, G replaced by C.
Protein change: p.Val499=; no amino-acid change (valine 499 retained).
Molecular consequence: synonymous variant.
Genome position (GRCh38, 1-based): chr17:44,352,424, G>C. VCF-style: chr17-44352424-G-C. GRCh37 (hg19) VCF-style: chr17-42429792-G-C.
Identifiers: ClinVar variation 589862 (VCV000589862.31), dbSNP rs375682522, ClinGen allele CA8602222.